The following is an entry in ClinVar:

ClinVar aggregate classification (germline): Likely benign (1 of 4 stars; one submission).

Conditions:
SCAPER-related disorder. Also called: SCAPER-related condition.

gnomAD v4.1: 33 of 1,609,304 alleles (0.0021%); highest among the groups gnomAD compares: Non-Finnish European, 0.0027%; no homozygotes.

Submission:

PreventionGenetics, part of Exact Sciences
Classification: Likely benign for SCAPER-related condition. Last evaluated: 2025-06-23. Review status: criteria provided, single submitter. Criteria: ACMG Guidelines, 2015. Collection method: clinical testing. Allele origin: germline.
Comment: This variant is classified as likely benign based on ACMG/AMP sequence variant interpretation guidelines (Richards et al. 2015 PMID: 25741868, with internal and published modifications).

NM_020843.4(SCAPER):c.759C>T (p.Ala253=)

Gene: SCAPER (S-phase cyclin A associated protein in the ER; minus strand). Cytogenetic location: 15q24.3.
Variant type: single nucleotide variant.
Coding change: c.759C>T on transcript NM_020843.4 (MANE Select); coding-DNA position 759, C replaced by T.
Protein change: p.Ala253=; no amino-acid change (alanine 253 retained).
Molecular consequence: synonymous variant. On other transcripts: 5 prime UTR variant (1), non-coding transcript variant (1).
Genome position (GRCh38, 1-based): chr15:76,795,293, G>A on the plus strand (C>T on the coding strand, the complement: SCAPER is on the minus strand). VCF-style: chr15-76795293-G-A. GRCh37 (hg19) VCF-style: chr15-77087634-G-A.
Other names: c.-139C>T (NM_001145923.2); c.759C>T, p.Ala253= (NM_001353009.2); c.357C>T, p.Ala119= (NM_001353010.2, NM_001353011.2, NM_001353012.2).
Identifiers: ClinVar variation 4978241 (VCV004978241.1).